The following is an entry in ClinVar:

ClinVar aggregate classification (germline): Uncertain significance (1 of 4 stars; one submission).

Conditions:
Rhabdoid tumor predisposition syndrome 2 (RTPS2). Identifiers: Orphanet 231108, Orphanet 69077, MedGen C2750074, MONDO:0013224, OMIM 613325.

Submission:

Labcorp Genetics (formerly Invitae), Labcorp
Classification: Uncertain significance for Rhabdoid tumor predisposition syndrome 2. Last evaluated: 2025-12-15. Review status: criteria provided, single submitter. Criteria: Invitae Variant Classification Sherloc (09022015). Collection method: clinical testing. Allele origin: germline.
Comment: This variant, c.2012_2026dup, results in the insertion of 5 amino acid(s) of the SMARCA4 protein (p.Glu671_Gln675dup), but otherwise preserves the integrity of the reading frame. This variant is not present in population databases (gnomAD no frequency). This variant has not been reported in the literature in individuals affected with SMARCA4-related conditions. In summary, the available evidence is currently insufficient to determine the role of this variant in disease. Therefore, it has been classified as a Variant of Uncertain Significance.

NM_003072.5(SMARCA4):c.2012_2026dup (p.Gln675_Ala676insGluGluGlnProGln)

Gene: SMARCA4 (SWI/SNF related BAF chromatin remodeling complex subunit ATPase 4; plus strand). Cytogenetic location: 19p13.2.
Variant type: Duplication.
Coding change: c.2012_2026dup on transcript NM_003072.5 (MANE Select); coding-DNA positions 2012 to 2026, 15 bases duplicated (AAGAGCAGCCGCAGG).
Protein change: p.Gln675_Ala676insGluGluGlnProGln.
Molecular consequence: inframe insertion. On other transcripts: non-coding transcript variant (1).
Genome position (GRCh38, 1-based): chr19:11,007,912-11,007,926, AAGAGCAGCCGCAGG duplicated; duplicating any 15 consecutive bases within chr19:11,007,909-11,007,926 gives the same sequence; the c. name uses the placement nearest the transcript's 3' end. VCF-style (leftmost placement, unchanged base first): chr19-11007908-G-GAGGAAGAGCAGCCGC. GRCh37 (hg19) VCF-style: chr19-11118584-G-GAGGAAGAGCAGCCGC.
Other names: c.2012_2026dup, p.Gln675_Ala676insGluGluGlnProGln (NM_001128844.3, NM_001128845.2, NM_001128846.2 and 6 more transcripts).
Identifiers: ClinVar variation 4733266 (VCV004733266.1).
Genomic context (GRCh38, chr19:11,007,908, plus strand): 5'-CGTCCCCCCTCTCTGGGGGATGAACTGAGGTGACATGGGCTTGTCTCTTGGTAGGAGGAG[G>GAGGAAGAGCAGCCGC]AGGAAGAGCAGCCGCAGGCAGCACAGCCTCCCACCCTGCCCGTGGAGGAGAAGAAGAAGA-3'